The following is an entry in ClinVar:

ClinVar aggregate classification (germline): Likely benign. Review status: criteria provided, multiple submitters, no conflicts (2 of 4 stars). 2 submissions from 2 submitters: Likely benign (2). Last evaluated 2018-06-14.

Allele frequency attached by ClinVar (database versions not stated): gnomAD exomes 0.00631 and 0.00641; ESP Exome Variant Server 0.00902; ExAC 0.01194; gnomAD 0.01405 and 0.01483; 1000 Genomes Project 0.01418; 1000 Genomes Project 30x 0.01483; TOPMed 0.01597.
gnomAD v4.1: 10,710 of 1,498,258 alleles (0.71%); highest among the groups gnomAD compares: African/African-American, 4%; 108 homozygotes.

Submissions (2):

GeneDx
Classification: Likely benign. Last evaluated: 2018-06-14. Review status: criteria provided, single submitter. Criteria: GeneDx Variant Classification (06012015). Collection method: clinical testing. Allele origin: germline. Affected: yes.
Comment: This variant is considered likely benign or benign based on one or more of the following criteria: it is a conservative change, it occurs at a poorly conserved position in the protein, it is predicted to be benign by multiple in silico algorithms, and/or has population frequency not consistent with disease.

Breakthrough Genomics
Classification: Likely benign. Review status: criteria provided, single submitter. Criteria: ACMG Guidelines, 2015. Collection method: not provided. Allele origin: germline. Inheritance: Autosomal dominant inheritance. Affected: yes.

NM_001540.5(HSPB1):c.364+34A>C

Gene: HSPB1 (heat shock protein family B (small) member 1; plus strand). Cytogenetic location: 7q11.23.
Variant type: single nucleotide variant.
Coding change: c.364+34A>C on transcript NM_001540.5 (MANE Select); 34 bases into the intron after coding-DNA position 364, A replaced by C.
Molecular consequence: intron variant.
Genome position (GRCh38, 1-based): chr7:76,303,110, A>C. VCF-style: chr7-76303110-A-C. GRCh37 (hg19) VCF-style: chr7-75932427-A-C.
Identifiers: ClinVar variation 676407 (VCV000676407.2), dbSNP rs34957294, ClinGen allele CA4306322.
Genomic context (GRCh38, chr7:76,303,110, plus strand): 5'-CCAAGGATGGCGTGGTGGAGATCACCGGTGAGCCCCCCTGCTCCTGCAGGGGAGAGGAGG[A>C]GGCTAGCAGGGCGGGCAGGGCCGGGGGCGTGCGGTTGAAACGGGGGTCCCGGGGGCCTGG-3'